The following is an entry in ClinVar:

NM_153240.5(NPHP3):c.621A>G (p.Val207=)

Genes: NPHP3 (nephrocystin 3; minus strand), NPHP3-ACAD11 (NPHP3-ACAD11 readthrough (NMD candidate); minus strand). Cytogenetic location: 3q22.1.
Variant type: single nucleotide variant.
Coding change: c.621A>G on transcript NM_153240.5 (MANE Select); coding-DNA position 621, A replaced by G.
Protein change: p.Val207=; no amino-acid change (valine 207 retained).
Molecular consequence: synonymous variant. On other transcripts: non-coding transcript variant (1).
Genome position (GRCh38, 1-based): chr3:132,719,043, T>C on the plus strand (A>G on the coding strand, the complement: NPHP3 is on the minus strand). VCF-style: chr3-132719043-T-C. GRCh37 (hg19) VCF-style: chr3-132437887-T-C.
Identifiers: ClinVar variation 462731 (VCV000462731.15), dbSNP rs139693694, ClinGen allele CA2622552.

ClinVar aggregate classification (germline): Conflicting classifications of pathogenicity. Review status: criteria provided, conflicting classifications (1 of 4 stars). 4 submissions from 4 submitters: Uncertain significance (1); Likely benign (2). 1 of the submissions does not count toward it. Last evaluated 2025-09-15.

Conditions:
Nephronophthisis. Also called: Juvenile Nephronophthisis. Identifiers: Orphanet 655, MedGen C0687120, MONDO:0019005, HP:0000090.
NPHP3-related disorder. Also called: NPHP3-related disorders; NPHP3-related condition. Identifiers: MedGen CN379163.

Allele frequency attached by ClinVar (database versions not stated): gnomAD exomes 0.00001 and 0.00003; ExAC 0.00002; ESP Exome Variant Server 0.00015; gnomAD 0.00015; TOPMed 0.00022.
gnomAD v4.1: 43 of 1,614,104 alleles (0.0027%); highest among the groups gnomAD compares: African/African-American, 0.047%; no homozygotes.

Submissions (4):

Labcorp Genetics (formerly Invitae), Labcorp
Classification: Likely benign for Nephronophthisis. Last evaluated: 2025-09-15. Review status: criteria provided, single submitter. Criteria: Invitae Variant Classification Sherloc (09022015). Collection method: clinical testing. Allele origin: germline.

Blueprint Genetics
Classification: Likely benign. Last evaluated: 2024-09-11. Review status: criteria provided, single submitter. Criteria: ACMG Guidelines, 2015. Collection method: clinical testing. Allele origin: germline.

Eurofins Ntd Llc (ga)
Classification: Uncertain significance. Last evaluated: 2018-01-09. Review status: criteria provided, single submitter. Criteria: EGL Classification Definitions 2015. Collection method: clinical testing. Allele origin: germline. Observed: 3 variant alleles, 3 heterozygotes.

PreventionGenetics, part of Exact Sciences
Classification: Likely benign for NPHP3-related condition. Last evaluated: 2021-09-23. Review status: no assertion criteria provided. Collection method: clinical testing. Allele origin: germline. Not counted in ClinVar's aggregate classification.
Comment: This variant is classified as likely benign based on ACMG/AMP sequence variant interpretation guidelines (Richards et al. 2015 PMID: 25741868, with internal and published modifications).